The following is an entry in ClinVar:

ClinVar aggregate classification (germline): Uncertain significance. Review status: criteria provided, multiple submitters, no conflicts (2 of 4 stars). 4 submissions from 4 submitters: Uncertain significance (4). Last evaluated 2025-09-22.

Conditions:
Dilated cardiomyopathy 1G (CMD1G). Identifiers: Orphanet 154, MedGen C1858763, MONDO:0011400, OMIM 604145.
Autosomal recessive limb-girdle muscular dystrophy type 2J (LGMDR10). Also called: Limb-girdle muscular dystrophy, type 2J; MUSCULAR DYSTROPHY, LIMB-GIRDLE, AUTOSOMAL RECESSIVE 10. Identifiers: Orphanet 140922, MedGen C1837342, MONDO:0012127, OMIM 608807.

Allele frequency attached by ClinVar (database versions not stated): gnomAD exomes below 0.00001 and 0.00001; ExAC 0.00001; gnomAD 0.00001; TOPMed 0.00001; ESP Exome Variant Server 0.00008.
gnomAD v4.1: 5 of 1,613,838 alleles (0.00031%); highest among the groups gnomAD compares: South Asian, 0.0011%; no homozygotes.

Submissions (4):

Labcorp Genetics (formerly Invitae), Labcorp
Classification: Uncertain significance for Dilated cardiomyopathy 1G; Autosomal recessive limb-girdle muscular dystrophy type 2J. Last evaluated: 2025-09-22. Review status: criteria provided, single submitter. Criteria: Invitae Variant Classification Sherloc (09022015). Collection method: clinical testing. Allele origin: germline.
Comment: This sequence change replaces asparagine, which is neutral and polar, with serine, which is neutral and polar, at codon 34213 of the TTN protein (p.Asn34213Ser). This variant is present in population databases (rs375332499, gnomAD 0.003%). This missense change has been observed in individual(s) with infantile dilated cardiomyopathy (PMID: 24503780). This variant is also known as c.94934A>G (p.Asn31645Ser). ClinVar contains an entry for this variant (Variation ID: 47653). Experimental studies and prediction algorithms are not available or were not evaluated, and the functional significance of this variant is currently unknown. This variant is located in the M band of TTN (PMID: 25589632). Non-truncating variants in this region may be relevant for neuromuscular disorders, but have not been definitively shown to cause cardiomyopathy (PMID: 23975875). In summary, the available evidence is currently insufficient to determine the role of this variant in disease. Therefore, it has been classified as a Variant of Uncertain Significance.

Women's Health and Genetics/Laboratory Corporation of America, LabCorp
Classification: Uncertain significance. Last evaluated: 2023-11-09. Review status: criteria provided, single submitter. Criteria: LabCorp Variant Classification Summary - May 2015. Collection method: clinical testing. Allele origin: germline.
Comment: Variant summary: TTN c.94934A>G (p.Asn31645Ser) results in a conservative amino acid change located in the M-Band domain of the encoded protein sequence. Three of four in-silico tools predict a benign effect of the variant on protein function. The variant allele was found at a frequency of 8e-06 in 249038 control chromosomes (gnomAD). The available data on variant occurrences in the general population are insufficient to allow any conclusion about variant significance. c.94934A>G has been reported in the literature in one individual affected with Dilated Cardiomyopathy (Pugh_2014). The report does not provide unequivocal conclusions about association of the variant with Limb-Girdle Muscular Dystrophy, Type 2J. To our knowledge, no experimental evidence demonstrating an impact on protein function has been reported. The following publication have been ascertained in the context of this evaluation (PMID: 24503780). Two submitters have cited clinical-significance assessments for this variant to ClinVar after 2014. All submitters classified the variant as uncertain significance. Based on the evidence outlined above, the variant was classified as uncertain significance.

Revvity Omics, Revvity
Classification: Uncertain significance. Last evaluated: 2019-03-01. Review status: criteria provided, single submitter. Criteria: ACMG Guidelines, 2015. Collection method: clinical testing. Allele origin: germline.

Laboratory for Molecular Medicine, Mass General Brigham Personalized Medicine
Classification: Uncertain significance. Last evaluated: 2012-07-24. Review status: criteria provided, single submitter. Criteria: LMM Criteria. Collection method: clinical testing. Allele origin: germline. Observed: 1 variant allele.
Comment: The Asn31645Ser variant in TTN has been identified in 1/8276 European American c hromosomes from a broad population by the NHLBI Exome Sequencing Project. This could represent a presymptomatic individual. Computational analyses (biochemical amino acid properties, conservation, AlignGV GD, PolyPhen2, and SIFT) do not provide strong support for or against an impact to the protein. Additional information is needed to fully assess the clinical s ignificance of the Asn31645Ser variant.

Literature cited by the submitters: PubMed 24503780 (cited by Labcorp Genetics (formerly Invitae), Labcorp and Women's Health and Genetics/Laboratory Corporation of America, LabCorp); PubMed 25589632 (cited by Labcorp Genetics (formerly Invitae), Labcorp); PubMed 23975875 (cited by Labcorp Genetics (formerly Invitae), Labcorp).

NM_001267550.2(TTN):c.102638A>G (p.Asn34213Ser)

Genes: TTN (titin; minus strand), TTN-AS1 (TTN antisense RNA 1; plus strand). Cytogenetic location: 2q31.2.
Variant type: single nucleotide variant.
Coding change: c.102638A>G on transcript NM_001267550.2 (MANE Select); coding-DNA position 102638, A replaced by G.
Protein change: p.Asn34213Ser; replaces asparagine 34213 with serine.
Molecular consequence: missense variant.
Genome position (GRCh38, 1-based): chr2:178,533,977, T>C on the plus strand (A>G on the coding strand, the complement: TTN is on the minus strand). VCF-style: chr2-178533977-T-C. GRCh37 (hg19) VCF-style: chr2-179398704-T-C.
Other names: c.94934A>G, p.Asn31645Ser (NM_133378.4); c.97715A>G, p.Asn32572Ser (NM_001256850.1); c.75443A>G, p.Asn25148Ser (NM_003319.4); c.75818A>G, p.Asn25273Ser (NM_133432.3); c.76019A>G, p.Asn25340Ser (NM_133437.4); short protein forms N34213S, N31645S, N25148S, N25340S, N32572S, N25273S.
Identifiers: ClinVar variation 47653 (VCV000047653.21), dbSNP rs375332499, ClinGen allele CA141614.